The following is an entry in ClinVar:

NM_001184880.2(PCDH19):c.2360G>T (p.Arg787Leu)

Genes: PCDH19 (protocadherin 19; minus strand), LOC125467768 (CDK7 strongly-dependent group 2 enhancer GRCh37_chrX:99657381-99658580; plus strand). Cytogenetic location: Xq22.1.
Variant type: single nucleotide variant.
Coding change: c.2360G>T on transcript NM_001184880.2 (MANE Select); coding-DNA position 2360, G replaced by T.
Protein change: p.Arg787Leu; replaces arginine 787 with leucine.
Molecular consequence: missense variant.
Genome position (GRCh38, 1-based): chrX:100,402,780, C>A on the plus strand (G>T on the coding strand, the complement: PCDH19 is on the minus strand). VCF-style: chrX-100402780-C-A. GRCh37 (hg19) VCF-style: chrX-99657778-C-A.
Other names: c.2219G>T, p.Arg740Leu (NM_001105243.2, NM_020766.3); c.2360G>T (NM_001184880.1); short protein forms R740L, R787L.
Identifiers: ClinVar variation 1054784 (VCV001054784.44), dbSNP rs371839798, ClinGen allele CA10468776.

ClinVar aggregate classification (germline): Uncertain significance. Review status: criteria provided, multiple submitters, no conflicts (2 of 4 stars). 3 submissions from 3 submitters: Uncertain significance (3). Last evaluated 2026-03-01.

Conditions:
Developmental and epileptic encephalopathy, 9 (DEE9). Also called: Early infantile epileptic encephalopathy 9; EPILEPSY, FEMALE-RESTRICTED, WITH MENTAL RETARDATION; JUBERG-HELLMAN SYNDROME; PCDH19-Related X-Linked Female-Limited Epilepsy with Mental Retardation. Identifiers: Orphanet 101039, Orphanet 2076, MedGen C1848137, MONDO:0010246, OMIM 300088. Disease mechanism: loss of function.

Allele frequency attached by ClinVar (database versions not stated): TOPMed below 0.00001; gnomAD 0.00001; ESP Exome Variant Server 0.00010.
gnomAD v4.1: 2 of 1,208,917 alleles (0.00017%); highest among the groups gnomAD compares: Non-Finnish European, 0.00022%; no homozygotes.

Submissions (3):

CeGaT Center for Human Genetics Tuebingen
Classification: Uncertain significance. Last evaluated: 2026-03-01. Review status: criteria provided, single submitter. Criteria: CeGaT Center For Human Genetics Tuebingen Variant Classification Criteria Version 2. Collection method: clinical testing. Allele origin: germline. Affected: yes. Observed: 2 variant alleles.
Comment: PCDH19: PM2

GeneDx
Classification: Uncertain significance. Last evaluated: 2025-05-09. Review status: criteria provided, single submitter. Criteria: GeneDx Variant Classification Process June 2021. Collection method: clinical testing. Allele origin: germline. Affected: yes.
Comment: Reported as a hemizygous variant in a patient with autism spectrum disorder, joint hyperlaxity, and flat feet; however, familial segregation information was not provided (PMID: 36980870); Not observed at significant frequency in large population cohorts (gnomAD); In silico analysis suggests that this missense variant does not alter protein structure/function; This variant is associated with the following publications: (PMID: 36980870)

Labcorp Genetics (formerly Invitae), Labcorp
Classification: Uncertain significance for Developmental and epileptic encephalopathy, 9. Last evaluated: 2022-11-23. Review status: criteria provided, single submitter. Criteria: Invitae Variant Classification Sherloc (09022015). Collection method: clinical testing. Allele origin: germline.
Comment: In summary, the available evidence is currently insufficient to determine the role of this variant in disease. Therefore, it has been classified as a Variant of Uncertain Significance. Advanced modeling of protein sequence and biophysical properties (such as structural, functional, and spatial information, amino acid conservation, physicochemical variation, residue mobility, and thermodynamic stability) performed at Invitae indicates that this missense variant is not expected to disrupt PCDH19 protein function. This sequence change replaces arginine, which is basic and polar, with leucine, which is neutral and non-polar, at codon 787 of the PCDH19 protein (p.Arg787Leu). This variant is present in population databases (rs371839798, gnomAD 0.004%). This variant has not been reported in the literature in individuals affected with PCDH19-related conditions. ClinVar contains an entry for this variant (Variation ID: 1054784).